The following is an entry in ClinVar:

NM_006922.4(SCN3A):c.1376C>A (p.Ala459Asp)

Gene: SCN3A (sodium voltage-gated channel alpha subunit 3; minus strand). Cytogenetic location: 2q24.3.
Variant type: single nucleotide variant.
Coding change: c.1376C>A on transcript NM_006922.4 (MANE Select); coding-DNA position 1376, C replaced by A.
Protein change: p.Ala459Asp; replaces alanine 459 with aspartic acid.
Molecular consequence: missense variant.
Genome position (GRCh38, 1-based): chr2:165,154,456, G>T on the plus strand (C>A on the coding strand, the complement: SCN3A is on the minus strand). VCF-style: chr2-165154456-G-T. GRCh37 (hg19) VCF-style: chr2-166010966-G-T.
Other names: c.1376C>A (NM_006922.3); c.1376C>A, p.Ala459Asp (NM_001081676.2, NM_001081677.2); short protein forms A459D.
Identifiers: ClinVar variation 2130181 (VCV002130181.7), dbSNP rs2468413867, ClinGen allele CA349237865.

ClinVar aggregate classification (germline): Uncertain significance. Review status: criteria provided, multiple submitters, no conflicts (2 of 4 stars). 3 submissions from 3 submitters: Uncertain significance (3). Last evaluated 2025-02-06.

Conditions:
Inborn genetic diseases. Identifiers: MedGen C0950123, MeSH D030342.

Submissions (3):

Labcorp Genetics (formerly Invitae), Labcorp
Classification: Uncertain significance. Last evaluated: 2025-02-06. Review status: criteria provided, single submitter. Criteria: Invitae Variant Classification Sherloc (09022015). Collection method: clinical testing. Allele origin: germline.
Comment: This sequence change replaces alanine, which is neutral and non-polar, with aspartic acid, which is acidic and polar, at codon 459 of the SCN3A protein (p.Ala459Asp). This variant is not present in population databases (gnomAD no frequency). This variant has not been reported in the literature in individuals affected with SCN3A-related conditions. ClinVar contains an entry for this variant (Variation ID: 2130181). Invitae Evidence Modeling of protein sequence and biophysical properties (such as structural, functional, and spatial information, amino acid conservation, physicochemical variation, residue mobility, and thermodynamic stability) indicates that this missense variant is not expected to disrupt SCN3A protein function with a negative predictive value of 95%. In summary, the available evidence is currently insufficient to determine the role of this variant in disease. Therefore, it has been classified as a Variant of Uncertain Significance.

GeneDx
Classification: Uncertain significance. Last evaluated: 2024-04-29. Review status: criteria provided, single submitter. Criteria: GeneDx Variant Classification Process June 2021. Collection method: clinical testing. Allele origin: germline. Affected: yes.
Comment: Not observed at significant frequency in large population cohorts (gnomAD); In silico analysis supports that this missense variant has a deleterious effect on protein structure/function; Has not been previously published as pathogenic or benign to our knowledge

Ambry Genetics
Classification: Uncertain significance for Inborn genetic diseases. Last evaluated: 2023-04-11. Review status: criteria provided, single submitter. Criteria: Ambry Variant Classification Scheme 2023. Collection method: clinical testing. Allele origin: germline.